The following is an entry in ClinVar:

NM_000059.4(BRCA2):c.1726A>G (p.Asn576Asp)

Gene: BRCA2 (BRCA2 DNA repair associated; plus strand). Cytogenetic location: 13q13.1.
Variant type: single nucleotide variant.
Coding change: c.1726A>G on transcript NM_000059.4 (MANE Select); coding-DNA position 1726, A replaced by G.
Protein change: p.Asn576Asp; replaces asparagine 576 with aspartic acid.
Molecular consequence: missense variant.
Genome position (GRCh38, 1-based): chr13:32,333,204, A>G. VCF-style: chr13-32333204-A-G. GRCh37 (hg19) VCF-style: chr13-32907341-A-G.
Other names: short protein forms N576D.
Identifiers: ClinVar variation 582183 (VCV000582183.13), dbSNP rs1566224180, ClinGen allele CA387765359.

ClinVar aggregate classification (germline): Conflicting classifications of pathogenicity. Review status: criteria provided, conflicting classifications (1 of 4 stars). 3 submissions from 3 submitters: Uncertain significance (2); Likely benign (1). Last evaluated 2025-06-21.

Conditions:
Hereditary cancer-predisposing syndrome. Also called: Neoplastic Syndromes, Hereditary; Hereditary Cancer Syndrome; Tumor predisposition; Hereditary neoplastic syndrome. Identifiers: Orphanet 140162, MedGen C0027672, MeSH D009386, MONDO:0015356.
Hereditary breast ovarian cancer syndrome. Also called: Hereditary breast and ovarian cancer syndrome; Hereditary breast and/or ovarian cancer syndrome; Hereditary breast and ovarian cancer syndrome (HBOC); Breast and ovarian cancer; BRCA1- and BRCA2-Associated Hereditary Breast and Ovarian Cancer; Hereditary breast and ovarian cancer. Identifiers: Orphanet 145, MedGen C0677776, MeSH D061325, MONDO:0003582. Disease mechanism: loss of function.

Submissions (3):

Ambry Genetics
Classification: Uncertain significance for Hereditary cancer-predisposing syndrome. Last evaluated: 2025-06-21. Review status: criteria provided, single submitter. Criteria: Ambry Variant Classification Scheme 2023. Collection method: clinical testing. Allele origin: germline.
Comment: The p.N576D variant (also known as c.1726A>G), located in coding exon 9 of the BRCA2 gene, results from an A to G substitution at nucleotide position 1726. The asparagine at codon 576 is replaced by aspartic acid, an amino acid with highly similar properties. This amino acid position is conserved. In addition, this alteration is predicted to be tolerated by in silico analysis. Since supporting evidence is limited at this time, the clinical significance of this alteration remains unclear.

University of Washington Department of Laboratory Medicine, University of Washington
Classification: Likely benign for Hereditary cancer-predisposing syndrome. Last evaluated: 2023-03-23. Review status: criteria provided, single submitter. Criteria: Dines et al. (Genet Med. 2020). Collection method: curation. Allele origin: germline.
Comment: Missense variant in a coldspot region where missense variants are very unlikely to be pathogenic (PMID:31911673).

BRCA2 exon 10 coldspot. Reclassification based on statistical prior probability.

Labcorp Genetics (formerly Invitae), Labcorp
Classification: Uncertain significance for Hereditary breast ovarian cancer syndrome. Last evaluated: 2023-02-10. Review status: criteria provided, single submitter. Criteria: Invitae Variant Classification Sherloc (09022015). Collection method: clinical testing. Allele origin: germline.
Comment: Advanced modeling of protein sequence and biophysical properties (such as structural, functional, and spatial information, amino acid conservation, physicochemical variation, residue mobility, and thermodynamic stability) performed at Invitae indicates that this missense variant is not expected to disrupt BRCA2 protein function. In summary, the available evidence is currently insufficient to determine the role of this variant in disease. Therefore, it has been classified as a Variant of Uncertain Significance. This sequence change replaces asparagine, which is neutral and polar, with aspartic acid, which is acidic and polar, at codon 576 of the BRCA2 protein (p.Asn576Asp). This variant is not present in population databases (gnomAD no frequency). This variant has not been reported in the literature in individuals affected with BRCA2-related conditions. ClinVar contains an entry for this variant (Variation ID: 582183).